The following is an entry in ClinVar:

ClinVar aggregate classification (germline): Likely benign (0 of 4 stars; one submission).

Conditions:
REN-related disorder. Also called: REN-related condition.

Allele frequency attached by ClinVar (database versions not stated): TOPMed below 0.00001; gnomAD 0.00001; gnomAD exomes 0.00001.
gnomAD v4.1: 21 of 1,614,038 alleles (0.0013%); highest among the groups gnomAD compares: Non-Finnish European, 0.0018%; no homozygotes.

Submission:

PreventionGenetics, part of Exact Sciences
Classification: Likely benign for REN-related condition. Last evaluated: 2021-04-13. Review status: no assertion criteria provided. Collection method: clinical testing. Allele origin: germline.
Comment: This variant is classified as likely benign based on ACMG/AMP sequence variant interpretation guidelines (Richards et al. 2015 PMID: 25741868, with internal and published modifications).

NM_000537.4(REN):c.111G>A (p.Lys37=)

Gene: REN (renin; minus strand). Cytogenetic location: 1q32.1.
Variant type: single nucleotide variant.
Coding change: c.111G>A on transcript NM_000537.4 (MANE Select); coding-DNA position 111, G replaced by A.
Protein change: p.Lys37=; no amino-acid change (lysine 37 retained).
Molecular consequence: synonymous variant.
Genome position (GRCh38, 1-based): chr1:204,162,151, C>T on the plus strand (G>A on the coding strand, the complement: REN is on the minus strand). VCF-style: chr1-204162151-C-T. GRCh37 (hg19) VCF-style: chr1-204131279-C-T.
Identifiers: ClinVar variation 3031540 (VCV003031540.2), dbSNP rs1658258409, ClinGen allele CA422839464.